The following is an entry in ClinVar:

NM_198282.4(STING1):c.932T>C (p.Leu311Pro)

Gene: STING1 (stimulator of interferon response cGAMP interactor 1; minus strand). Cytogenetic location: 5q31.2.
Variant type: single nucleotide variant.
Coding change: c.932T>C on transcript NM_198282.4 (MANE Select); coding-DNA position 932, T replaced by C.
Protein change: p.Leu311Pro; replaces leucine 311 with proline.
Molecular consequence: missense variant. On other transcripts: intron variant (1).
Genome position (GRCh38, 1-based): chr5:139,477,343, A>G on the plus strand (T>C on the coding strand, the complement: STING1 is on the minus strand). VCF-style: chr5-139477343-A-G. GRCh37 (hg19) VCF-style: chr5-138856928-A-G.
Other names: c.575T>C, p.Leu192Pro (NM_001367258.1); c.760-889T>C (NM_001301738.2); short protein forms L192P, L311P.
Identifiers: ClinVar variation 2141552 (VCV002141552.5), dbSNP rs1751692480, ClinGen allele CA361479421.

ClinVar aggregate classification (germline): Uncertain significance. Review status: criteria provided, multiple submitters, no conflicts (2 of 4 stars). 2 submissions from 2 submitters: Uncertain significance (2). Last evaluated 2024-09-23.

Conditions:
STING-associated vasculopathy with onset in infancy. Also called: Sting-associated vasculopathy, infantile-onset. Identifiers: Orphanet 425120, MedGen C4014722, MONDO:0014405, OMIM 615934.

Allele frequency attached by ClinVar (database versions not stated): gnomAD exomes below 0.00001; gnomAD 0.00001.

Submissions (2):

Blueprint Genetics
Classification: Uncertain significance. Last evaluated: 2024-09-23. Review status: criteria provided, single submitter. Criteria: ACMG Guidelines, 2015. Collection method: clinical testing. Allele origin: germline.

Labcorp Genetics (formerly Invitae), Labcorp
Classification: Uncertain significance for STING-associated vasculopathy with onset in infancy. Last evaluated: 2024-06-06. Review status: criteria provided, single submitter. Criteria: Invitae Variant Classification Sherloc (09022015). Collection method: clinical testing. Allele origin: germline.
Comment: This sequence change replaces leucine, which is neutral and non-polar, with proline, which is neutral and non-polar, at codon 311 of the TMEM173 protein (p.Leu311Pro). This variant is not present in population databases (gnomAD no frequency). This variant has not been reported in the literature in individuals affected with TMEM173-related conditions. ClinVar contains an entry for this variant (Variation ID: 2141552). Advanced modeling of protein sequence and biophysical properties (such as structural, functional, and spatial information, amino acid conservation, physicochemical variation, residue mobility, and thermodynamic stability) performed at Invitae indicates that this missense variant is expected to disrupt TMEM173 protein function with a positive predictive value of 80%. In summary, the available evidence is currently insufficient to determine the role of this variant in disease. Therefore, it has been classified as a Variant of Uncertain Significance.